The following is an entry in ClinVar:

NM_001374504.1(TMPRSS6):c.807C>T (p.Ala269=)

Gene: TMPRSS6 (transmembrane serine protease 6; minus strand). Cytogenetic location: 22q12.3.
Variant type: single nucleotide variant.
Coding change: c.807C>T on transcript NM_001374504.1 (MANE Select); coding-DNA position 807, C replaced by T.
Protein change: p.Ala269=; no amino-acid change (alanine 269 retained).
Molecular consequence: synonymous variant.
Genome position (GRCh38, 1-based): chr22:37,089,607, G>A on the plus strand (C>T on the coding strand, the complement: TMPRSS6 is on the minus strand). VCF-style: chr22-37089607-G-A. GRCh37 (hg19) VCF-style: chr22-37485647-G-A.
Other names: c.834C>T (NM_153609.3); c.807C>T, p.Ala269= (NM_001289000.2, NM_001289001.2, NM_153609.4).
Identifiers: ClinVar variation 2889596 (VCV002889596.5), dbSNP rs141942013, ClinGen allele CA10215910.

ClinVar aggregate classification (germline): Likely benign. Review status: criteria provided, single submitter (1 of 4 stars). 2 submissions from 2 submitters: Likely benign (1). 1 of the submissions does not count toward it. Last evaluated 2025-10-12.

Conditions:
TMPRSS6-related disorder. Also called: TMPRSS6-related condition.

Allele frequency attached by ClinVar (database versions not stated): ExAC 0.00011; 1000 Genomes Project 0.00020; gnomAD 0.00027; TOPMed 0.00029; gnomAD exomes 0.00008; ESP Exome Variant Server 0.00031; 1000 Genomes Project 30x 0.00031.
gnomAD v4.1: 141 of 1,431,490 alleles (0.0098%); highest among the groups gnomAD compares: African/African-American, 0.11%; no homozygotes.

Submissions (2):

Labcorp Genetics (formerly Invitae), Labcorp
Classification: Likely benign. Last evaluated: 2025-10-12. Review status: criteria provided, single submitter. Criteria: Invitae Variant Classification Sherloc (09022015). Collection method: clinical testing. Allele origin: germline.

PreventionGenetics, part of Exact Sciences
Classification: Likely benign for TMPRSS6-related condition. Last evaluated: 2022-11-16. Review status: no assertion criteria provided. Collection method: clinical testing. Allele origin: germline. Not counted in ClinVar's aggregate classification.
Comment: This variant is classified as likely benign based on ACMG/AMP sequence variant interpretation guidelines (Richards et al. 2015 PMID: 25741868, with internal and published modifications).